The following is an entry in ClinVar:

ClinVar aggregate classification (germline): Benign. Review status: criteria provided, single submitter (1 of 4 stars). 2 submissions from 2 submitters: Benign (1). 1 of the submissions does not count toward it. Last evaluated 2026-08-07.

Conditions:
POLQ-related disorder. Also called: POLQ-related condition.
Familial cancer of breast. Also called: hereditary breast carcinoma; BREAST CANCER, FAMILIAL; Hereditary breast cancer. Identifiers: Orphanet 227535, MedGen C0346153, MONDO:0016419, OMIM 114480. Disease mechanism: loss of function.

Allele frequency attached by ClinVar (database versions not stated): gnomAD exomes 0.06369; ExAC 0.06531; 1000 Genomes Project 0.08267; gnomAD 0.09863; TOPMed 0.10339; ESP Exome Variant Server 0.11041; 1000 Genomes Project 30x 0.08542.
gnomAD v4.1: 108,086 of 1,613,214 alleles (6.7%); highest among the groups gnomAD compares: African/African-American, 20%; 4,717 homozygotes.

Submissions (2):

Genomic Medicine Laboratory, Hospital de Clinicas de Porto Alegre
Classification: Benign for Familial cancer of breast. Last evaluated: 2026-08-07. Review status: criteria provided, single submitter. Criteria: ACGS UK Practice Guidelines For Variant Classification V12 2024. Collection method: research. Allele origin: germline. Affected: yes. Observed: 1 variant allele.
Comment: BA1: Allele frequency is above 5%

PreventionGenetics, part of Exact Sciences
Classification: Benign for POLQ-related condition. Last evaluated: 2019-10-28. Review status: no assertion criteria provided. Collection method: clinical testing. Allele origin: germline. Not counted in ClinVar's aggregate classification.
Comment: This variant is classified as benign based on ACMG/AMP sequence variant interpretation guidelines (Richards et al. 2015 PMID: 25741868, with internal and published modifications).

NM_199420.4(POLQ):c.6911C>T (p.Ala2304Val)

Gene: POLQ (DNA polymerase theta; minus strand). Cytogenetic location: 3q13.33.
Variant type: single nucleotide variant.
Coding change: c.6911C>T on transcript NM_199420.4 (MANE Select); coding-DNA position 6911, C replaced by T.
Protein change: p.Ala2304Val; replaces alanine 2304 with valine.
Molecular consequence: missense variant.
Genome position (GRCh38, 1-based): chr3:121,467,575, G>A on the plus strand (C>T on the coding strand, the complement: POLQ is on the minus strand). VCF-style: chr3-121467575-G-A. GRCh37 (hg19) VCF-style: chr3-121186422-G-A.
Other names: short protein forms A2304V.
Identifiers: ClinVar variation 3055919 (VCV003055919.3), dbSNP rs532411, ClinGen allele CA2562323.